The following is an entry in ClinVar:

NM_007294.4(BRCA1):c.3151A>G (p.Thr1051Ala)

Gene: BRCA1 (BRCA1 DNA repair associated; minus strand). Cytogenetic location: 17q21.31.
Variant type: single nucleotide variant.
Coding change: c.3151A>G on transcript NM_007294.4 (MANE Select); coding-DNA position 3151, A replaced by G.
Protein change: p.Thr1051Ala; replaces threonine 1051 with alanine.
Molecular consequence: missense variant. On other transcripts: intron variant (137).
Genome position (GRCh38, 1-based): chr17:43,092,380, T>C on the plus strand (A>G on the coding strand, the complement: BRCA1 is on the minus strand). VCF-style: chr17-43092380-T-C. GRCh37 (hg19) VCF-style: chr17-41244397-T-C.
Other names: 3270A>G; c.2938A>G, p.Thr980Ala (NM_001407571.1, NM_001407853.1, NM_001407894.1 and 9 more transcripts); c.3151A>G, p.Thr1051Ala (NM_001407581.1, NM_001407582.1, NM_001407583.1 and 30 more transcripts); c.3148A>G, p.Thr1050Ala (NM_001407587.1, NM_001407590.1, NM_001407591.1 and 22 more transcripts); c.3142A>G, p.Thr1048Ala (NM_001407646.1, NM_001407647.1); c.3028A>G, p.Thr1010Ala (NM_001407648.1, NM_001407664.1, NM_001407665.1 and 19 more transcripts); c.3025A>G, p.Thr1009Ala (NM_001407649.1, NM_001407670.1, NM_001407671.1 and 11 more transcripts); c.3073A>G, p.Thr1025Ala (NM_001407653.1, NM_001407654.1, NM_001407655.1 and 4 more transcripts); and 42 more; short protein forms T1051A, T1004A, T1024A, T1025A, T883A, T923A, T983A, T1009A.
Identifiers: ClinVar variation 91605 (VCV000091605.26), dbSNP rs398122671, ClinGen allele CA002053.
Genomic context (GRCh38, chr17:43,092,380, plus strand): 5'-CTGCTTGAATGTTTTCATCACTGGAACCTATTTCATTAATACTGGAGCCCACTTCATTAG[T>C]ACTGGAACCTACTTCATTAATATTGCTTGAGCTGGCTTCTTTAAAAACATTTTCTCTAAT-3'
Protein context (NP_009225.1, residues 1041-1061): SSNINEVGSS[Thr1051Ala]NEVGSSINEI

ClinVar aggregate classification (germline): Conflicting classifications of pathogenicity. Review status: criteria provided, conflicting classifications (1 of 4 stars). 9 submissions from 9 submitters: Uncertain significance (6); Likely benign (2). 1 of the submissions does not count toward it. Last evaluated 2025-07-30.

Conditions:
Hereditary cancer-predisposing syndrome. Also called: Hereditary Cancer Syndrome; Hereditary neoplastic syndrome; Neoplastic Syndromes, Hereditary; Tumor predisposition. Identifiers: Orphanet 140162, MedGen C0027672, MeSH D009386, MONDO:0015356.
Breast-ovarian cancer, familial, susceptibility to, 1 (BROVCA1). Also called: BRCA1 Hereditary Breast and Ovarian Cancer; OVARIAN CANCER, SUSCEPTIBILITY TO. Identifiers: Orphanet 145, MedGen C2676676, MONDO:0011450, OMIM 604370. Disease mechanism: loss of function.
Hereditary breast ovarian cancer syndrome. Also called: BRCA1- and BRCA2-Associated Hereditary Breast and Ovarian Cancer; Hereditary breast and ovarian cancer syndrome; Hereditary breast and ovarian cancer syndrome (HBOC); Breast and ovarian cancer; Hereditary breast and/or ovarian cancer syndrome; Hereditary breast and ovarian cancer. Identifiers: Orphanet 145, MedGen C0677776, MeSH D061325, MONDO:0003582. Disease mechanism: loss of function.

Allele frequency attached by ClinVar (database versions not stated): gnomAD exomes below 0.00001.
gnomAD v4.1: 1 of 1,613,882 alleles (0.000062%); highest among the groups gnomAD compares: Non-Finnish European, 0.000085%; no homozygotes.

Submissions (9):

Labcorp Genetics (formerly Invitae), Labcorp
Classification: Uncertain significance for Hereditary breast ovarian cancer syndrome. Last evaluated: 2025-07-30. Review status: criteria provided, single submitter. Criteria: Invitae Variant Classification Sherloc (09022015). Collection method: clinical testing. Allele origin: germline.
Comment: This sequence change replaces threonine, which is neutral and polar, with alanine, which is neutral and non-polar, at codon 1051 of the BRCA1 protein (p.Thr1051Ala). This variant is not present in population databases (gnomAD no frequency). This variant has not been reported in the literature in individuals affected with BRCA1-related conditions. ClinVar contains an entry for this variant (Variation ID: 91605). Invitae Evidence Modeling of protein sequence and biophysical properties (such as structural, functional, and spatial information, amino acid conservation, physicochemical variation, residue mobility, and thermodynamic stability) indicates that this missense variant is not expected to disrupt BRCA1 protein function with a negative predictive value of 80%. In summary, the available evidence is currently insufficient to determine the role of this variant in disease. Therefore, it has been classified as a Variant of Uncertain Significance.

ARUP Laboratories, Molecular Genetics and Genomics, ARUP Laboratories
Classification: Likely benign. Last evaluated: 2025-03-05. Review status: criteria provided, single submitter. Criteria: ARUP Molecular Germline Variant Investigation Process 2024. Collection method: clinical testing. Allele origin: germline.

Ambry Genetics
Classification: Uncertain significance for Hereditary cancer-predisposing syndrome. Last evaluated: 2024-09-24. Review status: criteria provided, single submitter. Criteria: Ambry Variant Classification Scheme 2023. Collection method: clinical testing. Allele origin: germline.
Comment: The p.T1051A variant (also known as c.3151A>G), located in coding exon 9 of the BRCA1 gene, results from an A to G substitution at nucleotide position 3151. The threonine at codon 1051 is replaced by alanine, an amino acid with similar properties. This amino acid position is well conserved on limited sequence alignment. In addition, the in silico prediction for this alteration is inconclusive. Since supporting evidence is limited at this time, the clinical significance of this alteration remains unclear.

GeneDx
Classification: Uncertain significance. Last evaluated: 2024-06-05. Review status: criteria provided, single submitter. Criteria: GeneDx Variant Classification Process June 2021. Collection method: clinical testing. Allele origin: germline. Affected: yes.
Comment: Not observed at significant frequency in large population cohorts (gnomAD); In silico analysis supports that this missense variant has a deleterious effect on protein structure/function; Has not been previously published as pathogenic or benign to our knowledge; Also known as 3270A>G; This variant is associated with the following publications: (PMID: 15343273)

All of Us Research Program, National Institutes of Health
Classification: Uncertain significance for Breast-ovarian cancer, familial, susceptibility to, 1. Last evaluated: 2023-08-14. Review status: criteria provided, single submitter. Criteria: ACMG Guidelines, 2015. Collection method: clinical testing. Allele origin: germline. Inheritance: Autosomal dominant inheritance. Observed: 1 variant allele, 1 heterozygote.
Comment: This study involves interpretation of variants in research participants for the purpose of population health screening. Participant phenotype was not available at the time of variant classification. Additional details can be found in publication PMID: 35346344, PMCID: PMC8962531

University of Washington Department of Laboratory Medicine, University of Washington
Classification: Likely benign for Hereditary cancer-predisposing syndrome. Last evaluated: 2023-03-23. Review status: criteria provided, single submitter. Criteria: Dines et al. (Genet Med. 2020). Collection method: curation. Allele origin: germline.
Comment: Missense variant in a coldspot region where missense variants are very unlikely to be pathogenic (PMID:31911673).

BRCA1 coldspot (exon 11 using historical exon numbering). Reclassification based on statistical prior probability

Women's Health and Genetics/Laboratory Corporation of America, LabCorp
Classification: Uncertain significance. Last evaluated: 2020-12-15. Review status: criteria provided, single submitter. Criteria: LabCorp Variant Classification Summary - May 2015. Collection method: clinical testing. Allele origin: germline.
Comment: Variant summary: BRCA1 c.3151A>G (p.Thr1051Ala) results in a non-conservative amino acid change in the encoded protein sequence. Four of five in-silico tools predict a benign effect of the variant on protein function. The variant was absent in 250958 control chromosomes (gnomAD). The available data on variant occurrences in the general population are insufficient to allow any conclusion about variant significance. To our knowledge, no occurrence of c.3151A>G in individuals affected with Hereditary Breast and Ovarian Cancer Syndrome and no experimental evidence demonstrating its impact on protein function have been reported. Three ClinVar submitters (evaluation after 2014) cite the variant as uncertain significance. Based on the evidence outlined above, the variant was classified as uncertain significance.

Color Diagnostics, LLC DBA Color Health
Classification: Uncertain significance for Hereditary cancer-predisposing syndrome. Last evaluated: 2019-05-02. Review status: criteria provided, single submitter. Criteria: ACMG Guidelines, 2015. Collection method: clinical testing. Allele origin: germline.

Sharing Clinical Reports Project (SCRP)
Classification: Uncertain significance for Breast-ovarian cancer, familial 1. Last evaluated: 2012-05-01. Review status: no assertion criteria provided. Collection method: clinical testing. Allele origin: germline. Not counted in ClinVar's aggregate classification.